The following is an entry in ClinVar:

ClinVar aggregate classification (germline): Uncertain significance. Review status: criteria provided, multiple submitters, no conflicts (2 of 4 stars). 5 submissions from 5 submitters: Uncertain significance (4). 1 of the submissions does not count toward it. Last evaluated 2025-12-19.

Conditions:
Arrhythmogenic right ventricular dysplasia 5. Also called: Arrhythmogenic Right Ventricular Dysplasia/Cardiomyopathy 5; ARRHYTHMOGENIC RIGHT VENTRICULAR DYSPLASIA, FAMILIAL, 5. Identifiers: MedGen C1858379, MONDO:0011459, OMIM 604400.
Cardiovascular phenotype. Identifiers: MedGen CN230736.
TMEM43-related disorder. Also called: TMEM43-related condition.
Cardiomyopathy (CMYO). Also called: Cardiomyopathies. Identifiers: Orphanet 167848, MedGen C0878544, MONDO:0004994, HP:0001638. Inheritance: Various modes of inheritance.

Allele frequency attached by ClinVar (database versions not stated): TOPMed 0.00003.
gnomAD v4.1: 22 of 1,610,668 alleles (0.0014%); highest among the groups gnomAD compares: Admixed American, 0.035%; no homozygotes.

Submissions (5):

Labcorp Genetics (formerly Invitae), Labcorp
Classification: Uncertain significance for Arrhythmogenic right ventricular dysplasia 5. Last evaluated: 2025-12-19. Review status: criteria provided, single submitter. Criteria: Invitae Variant Classification Sherloc (09022015). Collection method: clinical testing. Allele origin: germline.
Comment: This sequence change replaces arginine, which is basic and polar, with proline, which is neutral and non-polar, at codon 96 of the TMEM43 protein (p.Arg96Pro). This variant is present in population databases (rs748343919, gnomAD 0.04%), and has an allele count higher than expected for a pathogenic variant. This variant has not been reported in the literature in individuals affected with TMEM43-related conditions. ClinVar contains an entry for this variant (Variation ID: 1004300). Invitae Evidence Modeling of protein sequence and biophysical properties (such as structural, functional, and spatial information, amino acid conservation, physicochemical variation, residue mobility, and thermodynamic stability) has been performed for this missense variant. However, the output from this modeling did not meet the statistical confidence thresholds required to predict the impact of this variant on TMEM43 protein function. In summary, the available evidence is currently insufficient to determine the role of this variant in disease. Therefore, it has been classified as a Variant of Uncertain Significance.

Color Diagnostics, LLC DBA Color Health
Classification: Uncertain significance for Cardiomyopathy. Last evaluated: 2023-11-22. Review status: criteria provided, single submitter. Criteria: ACMG Guidelines, 2015. Collection method: clinical testing. Allele origin: germline.
Comment: This missense variant replaces arginine with proline at codon 96 of the TMEM43 protein. Computational prediction suggests that this variant may not impact protein structure and function (internally defined REVEL score threshold <= 0.5, PMID: 27666373). To our knowledge, functional studies have not been reported for this variant. This variant has not been reported in individuals affected with TMEM43-related disorders in the literature. This variant has been identified in 13/248324 chromosomes in the general population by the Genome Aggregation Database (gnomAD). The available evidence is insufficient to determine the role of this variant in disease conclusively. Therefore, this variant is classified as a Variant of Uncertain Significance.

GeneDx
Classification: Uncertain significance. Last evaluated: 2022-10-12. Review status: criteria provided, single submitter. Criteria: GeneDx Variant Classification Process June 2021. Collection method: clinical testing. Allele origin: germline. Affected: yes.
Comment: In silico analysis supports that this missense variant does not alter protein structure/function; Has not been previously published as pathogenic or benign to our knowledge

Ambry Genetics
Classification: Uncertain significance for Cardiovascular phenotype. Last evaluated: 2018-09-06. Review status: criteria provided, single submitter. Criteria: Ambry Variant Classification Scheme 2023. Collection method: clinical testing. Allele origin: germline.
Comment: The p.R96P variant (also known as c.287G>C), located in coding exon 3 of the TMEM43 gene, results from a G to C substitution at nucleotide position 287. The arginine at codon 96 is replaced by proline, an amino acid with dissimilar properties. This amino acid position is highly conserved in available vertebrate species. In addition, the in silico prediction for this alteration is inconclusive. Since supporting evidence is limited at this time, the clinical significance of this alteration remains unclear.

PreventionGenetics, part of Exact Sciences
Classification: Uncertain significance for TMEM43-related condition. Last evaluated: 2024-01-05. Review status: no assertion criteria provided. Collection method: clinical testing. Allele origin: germline. Not counted in ClinVar's aggregate classification.
Comment: The TMEM43 c.287G>C variant is predicted to result in the amino acid substitution p.Arg96Pro. To our knowledge, this variant has not been reported in the literature. This variant is reported in 0.035% of alleles in individuals of Latino descent in gnomAD. Although we suspect that this variant may be benign, at this time, the clinical significance of this variant is uncertain due to the absence of conclusive functional and genetic evidence.

NM_024334.3(TMEM43):c.287G>C (p.Arg96Pro)

Gene: TMEM43 (transmembrane protein 43; plus strand). Cytogenetic location: 3p25.1.
Variant type: single nucleotide variant.
Coding change: c.287G>C on transcript NM_024334.3 (MANE Select); coding-DNA position 287, G replaced by C.
Protein change: p.Arg96Pro; replaces arginine 96 with proline.
Molecular consequence: missense variant.
Genome position (GRCh38, 1-based): chr3:14,130,946, G>C. VCF-style: chr3-14130946-G-C. GRCh37 (hg19) VCF-style: chr3-14172446-G-C.
Other names: short protein forms R96P.
Identifiers: ClinVar variation 1004300 (VCV001004300.18), dbSNP rs748343919, ClinGen allele CA052550.